The following is an entry in ClinVar:

NM_020832.3(ZNF687):c.3584C>T (p.Ala1195Val)

Gene: ZNF687 (zinc finger protein 687; plus strand). Cytogenetic location: 1q21.3.
Variant type: single nucleotide variant.
Coding change: c.3584C>T on transcript NM_020832.3 (MANE Select); coding-DNA position 3584, C replaced by T.
Protein change: p.Ala1195Val; replaces alanine 1195 with valine.
Molecular consequence: missense variant.
Genome position (GRCh38, 1-based): chr1:151,291,079, C>T. VCF-style: chr1-151291079-C-T. GRCh37 (hg19) VCF-style: chr1-151263555-C-T.
Other names: c.3584C>T, p.Ala1195Val (NM_001304763.2, NM_001304764.2); short protein forms A1195V.
Identifiers: ClinVar variation 2839202 (VCV002839202.3), dbSNP rs768282502, ClinGen allele CA1088908.

ClinVar aggregate classification (germline): Uncertain significance (1 of 4 stars; one submission).

Allele frequency attached by ClinVar (database versions not stated): gnomAD exomes below 0.00001; ExAC 0.00001.

Submission:

Labcorp Genetics (formerly Invitae), Labcorp
Classification: Uncertain significance. Last evaluated: 2023-02-20. Review status: criteria provided, single submitter. Criteria: Invitae Variant Classification Sherloc (09022015). Collection method: clinical testing. Allele origin: germline.
Comment: This sequence change replaces alanine, which is neutral and non-polar, with valine, which is neutral and non-polar, at codon 1195 of the ZNF687 protein (p.Ala1195Val). This variant is present in population databases (rs768282502, gnomAD 0.0009%). In summary, the available evidence is currently insufficient to determine the role of this variant in disease. Therefore, it has been classified as a Variant of Uncertain Significance. Algorithms developed to predict the effect of missense changes on protein structure and function output the following: SIFT: "Not Available"; PolyPhen-2: "Benign"; Align-GVGD: "Not Available". The valine amino acid residue is found in multiple mammalian species, which suggests that this missense change does not adversely affect protein function. This variant has not been reported in the literature in individuals affected with ZNF687-related conditions.